The following is an entry in ClinVar:

NM_020458.4(TTC7A):c.148G>C (p.Gly50Arg)

Genes: MCFD2 (multiple coagulation factor deficiency 2, ER cargo receptor complex subunit; minus strand), TTC7A (tetratricopeptide repeat domain 7A; plus strand). Cytogenetic location: 2p21.
Variant type: single nucleotide variant.
Coding change: c.148G>C on transcript NM_020458.4 (MANE Select); coding-DNA position 148, G replaced by C.
Protein change: p.Gly50Arg; replaces glycine 50 with arginine.
Molecular consequence: missense variant. On other transcripts: 5 prime UTR variant (3), intron variant (1).
Genome position (GRCh38, 1-based): chr2:46,941,689, G>C. VCF-style: chr2-46941689-G-C. GRCh37 (hg19) VCF-style: chr2-47168828-G-C.
Other names: c.148G>C, p.Gly50Arg (NM_001288951.2); c.-757G>C (NM_001288955.2); c.-124C>G (NM_001171508.2); c.-26C>G (NM_001171511.3); c.83-8674G>C (NM_001288953.2); short protein forms G50R.
Identifiers: ClinVar variation 969448 (VCV000969448.10), dbSNP rs1288910906, ClinGen allele CA346715829.
Genomic context (GRCh38, chr2:46,941,689, plus strand): 5'-CCGGAGCTGGTCCGGCAGCTGCAGACGCTGAGCATGCCCGGCGGCGGAGGTAACAGGCGA[G>C]GCAGCCCGAGCGCAGCGTTCACCTTTCCGGACACCGGTGAGTAAGGGAAGAGGCTGGCTC-3'
Protein context (NP_065191.2, residues 40-60): SMPGGGGNRR[Gly50Arg]SPSAAFTFPD

ClinVar aggregate classification (germline): Uncertain significance (1 of 4 stars; one submission).

Conditions:
Multiple gastrointestinal atresias. Also called: Multiple intestinal atresia; FAMILIAL INTESTINAL POLYATRESIA SYNDROME. Identifiers: Orphanet 2300, MedGen C0220744, MONDO:0009465.

Allele frequency attached by ClinVar (database versions not stated): gnomAD exomes 0.00001; TOPMed 0.00001; gnomAD 0.00001.
gnomAD v4.1: 26 of 1,551,210 alleles (0.0017%); highest among the groups gnomAD compares: Non-Finnish European, 0.0019%; no homozygotes.

Submission:

Labcorp Genetics (formerly Invitae), Labcorp
Classification: Uncertain significance for Multiple gastrointestinal atresias. Last evaluated: 2023-08-17. Review status: criteria provided, single submitter. Criteria: Invitae Variant Classification Sherloc (09022015). Collection method: clinical testing. Allele origin: germline.
Comment: In summary, the available evidence is currently insufficient to determine the role of this variant in disease. Therefore, it has been classified as a Variant of Uncertain Significance. The frequency data for this variant in the population databases is considered unreliable, as metrics indicate poor data quality at this position in the gnomAD database. This variant has not been reported in the literature in individuals affected with TTC7A-related conditions. ClinVar contains an entry for this variant (Variation ID: 969448). An algorithm developed to predict the effect of missense changes on protein structure and function (PolyPhen-2) suggests that this variant¬†is likely to be tolerated. This sequence change replaces glycine, which is neutral and non-polar, with arginine, which is basic and polar, at codon 50 of the TTC7A protein (p.Gly50Arg).